The following is an entry in ClinVar:

NM_005472.5(KCNE3):c.296G>A (p.Arg99His)

Gene: KCNE3 (potassium voltage-gated channel subfamily E regulatory subunit 3; minus strand). Cytogenetic location: 11q13.4.
Variant type: single nucleotide variant.
Coding change: c.296G>A on transcript NM_005472.5 (MANE Select); coding-DNA position 296, G replaced by A.
Protein change: p.Arg99His; replaces arginine 99 with histidine.
Molecular consequence: missense variant.
Genome position (GRCh38, 1-based): chr11:74,457,268, C>T on the plus strand (G>A on the coding strand, the complement: KCNE3 is on the minus strand). VCF-style: chr11-74457268-C-T. GRCh37 (hg19) VCF-style: chr11-74168313-C-T.
Other names: p.R99H:CGT>CAT; short protein forms R99H.
Identifiers: ClinVar variation 5542 (VCV000005542.19), dbSNP rs121908441, ClinGen allele CA253524.

ClinVar aggregate classification (germline): Conflicting classifications of pathogenicity. Review status: criteria provided, conflicting classifications (1 of 4 stars). 8 submissions from 8 submitters: Uncertain significance (5); Likely benign (2). 1 of the submissions does not count toward it. Last evaluated 2026-07-01.

Conditions:
Cardiovascular phenotype. Identifiers: MedGen CN230736.
Brugada syndrome. Also called: Sudden unexpected nocturnal death syndrome; Sudden Unexplained Death Syndrome; Sudden Unexplained Nocturnal Death Syndrome (SUNDS); Sudden unexplained nocturnal death syndrome. Identifiers: Orphanet 130, MedGen C1142166, MONDO:0015263.
Brugada syndrome 6 (BRGDA6). Identifiers: Orphanet 130, MedGen C2751089, MONDO:0013145, OMIM 613119.

Allele frequency attached by ClinVar (database versions not stated): ExAC 0.00009; 1000 Genomes Project 30x 0.00047; gnomAD 0.00009 and 0.00007; gnomAD exomes 0.00022 and 0.00010; TOPMed 0.00005; 1000 Genomes Project 0.00060.

Submissions (8):

CeGaT Center for Human Genetics Tuebingen
Classification: Uncertain significance. Last evaluated: 2026-07-01. Review status: criteria provided, single submitter. Criteria: CeGaT Center For Human Genetics Tuebingen Variant Classification Criteria Version 2. Collection method: clinical testing. Allele origin: germline. Affected: yes. Observed: 1 variant allele.

Labcorp Genetics (formerly Invitae), Labcorp
Classification: Uncertain significance for Brugada syndrome 6. Last evaluated: 2025-12-29. Review status: criteria provided, single submitter. Criteria: Invitae Variant Classification Sherloc (09022015). Collection method: clinical testing. Allele origin: germline.
Comment: This sequence change replaces arginine, which is basic and polar, with histidine, which is basic and polar, at codon 99 of the KCNE3 protein (p.Arg99His). This variant is present in population databases (rs121908441, gnomAD 0.02%). This missense change has been observed in individual(s) with clinical features of KCNE3-related conditions (PMID: 19122847, 19306396, 28855170, 29247119). ClinVar contains an entry for this variant (Variation ID: 5542). An algorithm developed to predict the effect of missense changes on protein structure and function (PolyPhen-2) suggests that this variant is likely to be tolerated. Experimental studies have shown that this missense change affects KCNE3 function (PMID: 19122847, 19306396). In summary, the available evidence is currently insufficient to determine the role of this variant in disease. Therefore, it has been classified as a Variant of Uncertain Significance.

Lildballe Lab, Aarhus University Hospital
Classification: Uncertain significance for Brugada syndrome. Last evaluated: 2024-03-01. Review status: criteria provided, single submitter. Criteria: ACMG Guidelines, 2015. Collection method: research. Allele origin: germline. Affected: yes.
Comment: PM2(sup), PP3(sup), BP6(sup)

GeneDx
Classification: Uncertain significance. Last evaluated: 2023-05-31. Review status: criteria provided, single submitter. Criteria: GeneDx Variant Classification Process June 2021. Collection method: clinical testing. Allele origin: germline. Affected: yes.
Comment: Variants in candidate genes are classified as variants of uncertain significance in accordance with ACMG guidelines (Richards et al., 2015); Reported in association with torsades de pointes, cardiomyopathy, congestive heart failure and sudden unexplained death (Ohno et al., 2009; Wang et al., 2017; Lin et al., 2017); Functional studies showed increased current intensity when co-transfected with KCND3, though showed no alteration in current magnitude or kinetics when co-transfected with KCNQ1 (Delpon et al., 2008); In silico analysis supports that this missense variant does not alter protein structure/function; This variant is associated with the following publications: (PMID: 19122847, 30662450, 30821013, 23861362, 29247119, 28855170, 32600061, 19306396)

Ambry Genetics
Classification: Likely benign for Cardiovascular phenotype. Last evaluated: 2023-05-04. Review status: criteria provided, single submitter. Criteria: Ambry Variant Classification Scheme 2023. Collection method: clinical testing. Allele origin: germline.

AiLife Diagnostics
Classification: Uncertain significance. Last evaluated: 2021-07-09. Review status: criteria provided, single submitter. Criteria: ACMG Guidelines, 2015. Collection method: clinical testing. Allele origin: germline. Affected: yes. Observed: 1 variant allele.

Biesecker Lab/Clinical Genomics Section, National Institutes of Health
Classification: Likely benign for Brugada syndrome. Last evaluated: 2013-06-24. Review status: criteria provided, single submitter. Criteria: Ng et al. (Circ Cardiovasc Genet. 2013). Collection method: research. Allele origin: unknown. Observed: 1 variant allele. Study: ClinSeq.
Comment: The study set was not selected for affection status in relation to any cancer. Pathogenicity categories were based on literature curation. See Pubmed ID:23861362 for details.

Medical sequencing

OMIM
Classification: Pathogenic for BRUGADA SYNDROME 6 (1 family). Last evaluated: 2009-04-01. Review status: no assertion criteria provided. Collection method: literature only. Allele origin: germline. Not counted in ClinVar's aggregate classification.

Literature cited by the submitters: PubMed 19122847 (cited by 4 submitters); PubMed 19306396 (cited by 3 submitters); PubMed 28855170 (cited by Labcorp Genetics (formerly Invitae), Labcorp and Ambry Genetics); PubMed 29247119 (cited by Labcorp Genetics (formerly Invitae), Labcorp); PubMed 25741881 (cited by Lildballe Lab, Aarhus University Hospital); PubMed 39481677 (cited by Lildballe Lab, Aarhus University Hospital); PubMed 23861362 (cited by Ambry Genetics).